The following is an entry in ClinVar:

NM_004247.4(EFTUD2):c.216G>A (p.Val72=)

Gene: EFTUD2 (elongation factor Tu GTP binding domain containing 2; minus strand). Cytogenetic location: 17q21.31.
Variant type: single nucleotide variant.
Coding change: c.216G>A on transcript NM_004247.4 (MANE Select); coding-DNA position 216, G replaced by A.
Protein change: p.Val72=; no amino-acid change (valine 72 retained).
Molecular consequence: synonymous variant.
Genome position (GRCh38, 1-based): chr17:44,886,640, C>T on the plus strand (G>A on the coding strand, the complement: EFTUD2 is on the minus strand). VCF-style: chr17-44886640-C-T. GRCh37 (hg19) VCF-style: chr17-42964008-C-T.
Other names: c.111G>A, p.Val37= (NM_001142605.2); c.216G>A, p.Val72= (NM_001258353.2, NM_001258354.2).
Identifiers: ClinVar variation 2985105 (VCV002985105.3), dbSNP rs1455894391, ClinGen allele CA500318744.

ClinVar aggregate classification (germline): Uncertain significance (1 of 4 stars; one submission).

Allele frequency attached by ClinVar (database versions not stated): gnomAD exomes 0.00001; TOPMed 0.00001.
gnomAD v4.1: 21 of 1,614,218 alleles (0.0013%); highest among the groups gnomAD compares: East Asian, 0.0022%; no homozygotes.

Submission:

Labcorp Genetics (formerly Invitae), Labcorp
Classification: Uncertain significance. Last evaluated: 2023-03-17. Review status: criteria provided, single submitter. Criteria: Invitae Variant Classification Sherloc (09022015). Collection method: clinical testing. Allele origin: germline.
Comment: In summary, the available evidence is currently insufficient to determine the role of this variant in disease. Therefore, it has been classified as a Variant of Uncertain Significance. Algorithms developed to predict the effect of sequence changes on RNA splicing suggest that this variant may create or strengthen a splice site. This variant has not been reported in the literature in individuals affected with EFTUD2-related conditions. This variant is present in population databases (no rsID available, gnomAD 0.003%). This sequence change affects codon 72 of the EFTUD2 mRNA. It is a 'silent' change, meaning that it does not change the encoded amino acid sequence of the EFTUD2 protein.